The following continues an entry in ClinVar:

NM_000112.4(SLC26A2):c.835C>T (p.Arg279Trp)

Gene: SLC26A2. ClinVar aggregate classification (germline): Pathogenic/Likely pathogenic. Pathogenic (37); Likely pathogenic (2).

Submissions 38 to 46 of 46:

Kasturba Medical College, Manipal, Kasturba Medical College, Manipal, Manipal Academy of Higher Education, Manipal, India
Classification: Likely pathogenic for Multiple epiphyseal dysplasia type 4. Review status: criteria provided, single submitter. Criteria: ACMG Guidelines, 2015. Collection method: clinical testing. Allele origin: inherited. Inheritance: Autosomal recessive inheritance. Affected: yes.
Comment: This variant is observed in gnomAD (v4.1.0) population database with an allele frequency of 0.001420 (het count: 2292, hom count: 5) and in 3 individuals in heterozygous state in our in-house data of 3455 exomes

Medical Molecular Genetics Department, National Research Center
Classification: Pathogenic for Diastrophic dysplasia. Review status: criteria provided, single submitter. Criteria: ACMG Guidelines, 2015. Collection method: research. Allele origin: germline. Affected: yes.
Comment: Functional studies identified that the p.Arg279Trp variant reduced the transported sulfate and oxalate at rates of 20 to 30% of wild-type protein (PMID: 20219950, PMID: 15294877). Not found in population databases in homozygous pattern, and of low frequency (0.0009%). The p.Arg279Trp variant is classified as pathogenic (PM3, PS3, PM1, PM2, PP3, PP2).

OMIM
Classification: Pathogenic for ATELOSTEOGENESIS, TYPE II. Last evaluated: 2004-08-30. Review status: no assertion criteria provided. Collection method: literature only. Allele origin: germline. Not counted in ClinVar's aggregate classification.

OMIM
Classification: Pathogenic for DIASTROPHIC DYSPLASIA. Last evaluated: 2004-08-30. Review status: no assertion criteria provided. Collection method: literature only. Allele origin: germline. Not counted in ClinVar's aggregate classification.

OMIM
Classification: Pathogenic for EPIPHYSEAL DYSPLASIA, MULTIPLE, 4. Last evaluated: 2004-08-30. Review status: no assertion criteria provided. Collection method: literature only. Allele origin: germline. Not counted in ClinVar's aggregate classification.

Clinical Genetics DNA and cytogenetics Diagnostics Lab, Erasmus MC, Erasmus Medical Center
Classification: Pathogenic. Review status: no assertion criteria provided. Collection method: clinical testing. Allele origin: germline. Affected: yes. Study: VKGL Data-share Consensus. Not counted in ClinVar's aggregate classification.

GeneReviews
No classification provided. Condition: Diastrophic dysplasia. Review status: no classification provided. Collection method: literature only. Allele origin: unknown. Not counted in ClinVar's aggregate classification.

Joint Genome Diagnostic Labs from Nijmegen and Maastricht, Radboudumc and MUMC+
Classification: Pathogenic. Review status: no assertion criteria provided. Collection method: clinical testing. Allele origin: germline. Affected: yes. Study: VKGL Data-share Consensus. Not counted in ClinVar's aggregate classification.

Laboratory of Diagnostic Genome Analysis, Leiden University Medical Center (LUMC)
Classification: Pathogenic. Review status: no assertion criteria provided. Collection method: clinical testing. Allele origin: germline. Affected: yes. Study: VKGL Data-share Consensus. Not counted in ClinVar's aggregate classification.

Literature cited by the submitters: PubMed 8571951 (cited by 8 submitters); PubMed 9342225 (cited by 4 submitters); PubMed 10465113 (cited by 7 submitters); PubMed 10482955 (cited by Labcorp Genetics (formerly Invitae), Labcorp); PubMed 16642506 (cited by 3 submitters); PubMed 21077202 (cited by Labcorp Genetics (formerly Invitae), Labcorp and Laboratory for Molecular Medicine, Mass General Brigham Personalized Medicine); PubMed 22052783 (cited by 3 submitters); PubMed 23840040 (cited by 5 submitters); PubMed 27065010 (cited by 3 submitters); PubMed 15294877 (cited by 6 submitters); PubMed 20219950 (cited by 6 submitters); PubMed 21155763 (cited by 4 submitters); PubMed 15316973 (cited by 5 submitters); PubMed 24598000 (cited by 3 submitters); PubMed 20301483 (cited by New York Genome Center and Equipe Genetique des Anomalies du Developpement, Université de Bourgogne); PubMed 12525546 (cited by 5 submitters); PubMed 32596782 (cited by New York Genome Center); PubMed 342225 (cited by New York Genome Center); PubMed 20301493 (cited by Rady Children's Institute for Genomic Medicine, Rady Children's Hospital San Diego and Equipe Genetique des Anomalies du Developpement, Université de Bourgogne); PubMed 11241838 (cited by Ambry Genetics); PubMed 11565064 (cited by 4 submitters); PubMed 11303514 (cited by 4 submitters); PubMed 8931695 (cited by 3 submitters); PubMed 20301524 (cited by Illumina Laboratory Services, Illumina and GeneReviews); PubMed 34064542 (cited by Medical Molecular Genetics Department, National Research Center); PubMed 29024831 (cited by OMIM); NCBI Bookshelf NBK1350 (cited by GeneReviews).